The following is an entry in ClinVar:

ClinVar aggregate classification (germline): Pathogenic (1 of 4 stars; one submission).

Conditions:
Blau syndrome (BLAUS). Also called: GRANULOMATOSIS, FAMILIAL JUVENILE SYSTEMIC; GRANULOMATOSIS, FAMILIAL, BLAU TYPE; GRANULOMATOUS INFLAMMATORY ARTHRITIS, DERMATITIS, AND UVEITIS, FAMILIAL; JABS SYNDROME; ARTHROCUTANEOUVEAL GRANULOMATOSIS. Identifiers: Orphanet 90340, MedGen C5201146, MONDO:0008523, OMIM 186580.
Regional enteritis. Also called: Enteritis, Granulomatous. Identifiers: MedGen C0678202, MeSH D003424.

Submission:

Labcorp Genetics (formerly Invitae), Labcorp
Classification: Pathogenic for Regional enteritis; Blau syndrome. Last evaluated: 2024-04-17. Review status: criteria provided, single submitter. Criteria: Invitae Variant Classification Sherloc (09022015). Collection method: clinical testing. Allele origin: germline.
Comment: This sequence change replaces glutamic acid, which is acidic and polar, with aspartic acid, which is acidic and polar, at codon 383 of the NOD2 protein (p.Glu383Asp). This variant is not present in population databases (gnomAD no frequency). This missense change has been observed in individuals with Blau syndrome (PMID: 28639104, 28836875). It has also been observed to segregate with disease in related individuals. Advanced modeling of protein sequence and biophysical properties (such as structural, functional, and spatial information, amino acid conservation, physicochemical variation, residue mobility, and thermodynamic stability) performed at Invitae indicates that this missense variant is expected to disrupt NOD2 protein function with a positive predictive value of 95%. This variant disrupts the p.Glu383 amino acid residue in NOD2. Other variant(s) that disrupt this residue have been determined to be pathogenic (PMID: 15812565, 18718560, 19479836, 20565245). This suggests that this residue is clinically significant, and that variants that disrupt this residue are likely to be disease-causing. For these reasons, this variant has been classified as Pathogenic.

Literature cited by the submitters: PubMed 28639104; PubMed 28836875; PubMed 15812565; PubMed 18718560; PubMed 19479836; PubMed 20565245.

NM_001370466.1(NOD2):c.1068G>C (p.Glu356Asp)

Gene: NOD2 (nucleotide binding oligomerization domain containing 2; plus strand). Cytogenetic location: 16q12.1.
Variant type: single nucleotide variant.
Coding change: c.1068G>C on transcript NM_001370466.1 (MANE Select); coding-DNA position 1068, G replaced by C.
Protein change: p.Glu356Asp; replaces glutamic acid 356 with aspartic acid.
Molecular consequence: missense variant. On other transcripts: non-coding transcript variant (1).
Genome position (GRCh38, 1-based): chr16:50,711,060, G>C. VCF-style: chr16-50711060-G-C. GRCh37 (hg19) VCF-style: chr16-50744971-G-C.
Other names: c.1068G>C, p.Glu356Asp (NM_001293557.2); c.1149G>C, p.Glu383Asp (NM_022162.3); short protein forms E356D, E383D.
Identifiers: ClinVar variation 2921502 (VCV002921502.3), dbSNP rs2506403400, ClinGen allele CA395868325.